The following is an entry in ClinVar:

NM_001024630.4(RUNX2):c.90dup (p.Ser31fs)

Gene: RUNX2 (RUNX family transcription factor 2; plus strand). Cytogenetic location: 6p21.1.
Variant type: Duplication.
Coding change: c.90dup on transcript NM_001024630.4 (MANE Select); coding-DNA position 90, one base duplicated (C; older notation c.90dupC).
Protein change: p.Ser31fs; shifts the reading frame from serine 31.
Molecular consequence: frameshift variant.
Genome position (GRCh38, 1-based): chr6:45,422,624, C duplicated; the last of 7 consecutive C bases (chr6:45,422,618-45,422,624); duplicating any one gives the same sequence. VCF-style (leftmost placement, unchanged base first): chr6-45422617-G-GC. GRCh37 (hg19) VCF-style: chr6-45390354-G-GC.
Other names: c.90dupC (NM_001024630.3); c.90dup, p.Ser31fs (NM_001015051.4); c.48dup, p.Ser17fs (NM_001278478.2, NM_001369405.1); c.90dup (NM_001024630.3); short protein forms S17fs, S31fs.
Identifiers: ClinVar variation 65626 (VCV000065626.11), dbSNP rs397515538, ClinGen allele CA344952.

ClinVar aggregate classification (germline): Pathogenic. Review status: criteria provided, multiple submitters, no conflicts (2 of 4 stars). 5 submissions from 5 submitters: Pathogenic (4). 1 of the submissions does not count toward it. Last evaluated 2025-12-04.

Conditions:
RUNX2-related disorder. Also called: RUNX2-related condition.
Cleidocranial dysostosis (CLCD1). Also called: cleidocranial dysplasia 1; Marie-Sainton disease; Cleidocranial Dysplasia Spectrum Disorder. Identifiers: Orphanet 1452, MedGen C0008928, MONDO:0007340, OMIM 119600.

Submissions (5):

GeneDx
Classification: Pathogenic. Last evaluated: 2025-12-04. Review status: criteria provided, single submitter. Criteria: GeneDx Variant Classification Process June 2021. Collection method: clinical testing. Allele origin: germline. Affected: yes.
Comment: Reported in additional patients with dental anomalies and other variable features of cleidocranial dysplasia; however, familial segregation information was not available (PMID: 23659235, 33987976); Frameshift variant predicted to result in protein truncation or nonsense mediated decay in a gene for which loss of function is a known mechanism of disease; Not observed at significant frequency in large population cohorts (gnomAD); Variant reported as 90insC by alternate nomenclature (PMID: 10545612); This variant is associated with the following publications: (PMID: 10521292, 10545612, 20301686, 37108164, 33987976, 23659235, 34940998)

Labcorp Genetics (formerly Invitae), Labcorp
Classification: Pathogenic. Last evaluated: 2025-11-13. Review status: criteria provided, single submitter. Criteria: Invitae Variant Classification Sherloc (09022015). Collection method: clinical testing. Allele origin: germline.
Comment: This sequence change creates a premature translational stop signal (p.Ser31Leufs*130) in the RUNX2 gene. It is expected to result in an absent or disrupted protein product. Loss-of-function variants in RUNX2 are known to be pathogenic (PMID: 10521292, 11857736). The frequency data for this variant in the population databases is considered unreliable, as metrics indicate poor data quality at this position in the gnomAD database. This premature translational stop signal has been observed in individual(s) with cleidocranial dysplasia (PMID: 10545612). ClinVar contains an entry for this variant (Variation ID: 65626). For these reasons, this variant has been classified as Pathogenic.

Clinical Biomedical Laboratory, Shriners Hospital For Children - Canada
Classification: Pathogenic for Cleidocranial dysostosis. Last evaluated: 2025-10-05. Review status: criteria provided, single submitter. Criteria: ACMG Guidelines, 2015. Collection method: clinical testing. Allele origin: germline. Affected: yes.
Comment: This variant is predicted to substitute a serine residue by a leucine residue in exon 3 of RUNX2 and introduce a stop codon 130 amino acids downstream. This is expected to lead to degradation of the affected transcript. Frameshift variants introducing a premature stop codon in RUNX2 are associated with cleidocranial dysplasia, which is the clinical diagnosis of the proband. The phenotype is specific for the gene affected by the variant. The variant has been reported in the literature in an individual with cleidocranial dysplasia (PMID 23659235). In the Genome Aggregation Database (gnomAD v2.1.1) this variant is very rare.

Blueprint Genetics
Classification: Pathogenic for RUNX2-related disorders. Last evaluated: 2021-08-31. Review status: criteria provided, single submitter. Criteria: ACMG Guidelines, 2015. Collection method: clinical testing. Allele origin: germline. Affected: yes. Observed: 5 variant alleles.

GeneReviews
No classification provided. Condition: Cleidocranial dysostosis. Review status: no classification provided. Collection method: literature only. Allele origin: germline. Not counted in ClinVar's aggregate classification.

Literature cited by the submitters: PubMed 10521292 (cited by Labcorp Genetics (formerly Invitae), Labcorp); PubMed 11857736 (cited by Labcorp Genetics (formerly Invitae), Labcorp); PubMed 10545612 (cited by Labcorp Genetics (formerly Invitae), Labcorp); PubMed 23659235 (cited by Clinical Biomedical Laboratory, Shriners Hospital For Children - Canada); NCBI Bookshelf NBK1513 (cited by GeneReviews).